The following is an entry in ClinVar:

ClinVar aggregate classification (germline): Likely pathogenic (1 of 4 stars; one submission).

Conditions:
Atypical hemolytic-uremic syndrome. Identifiers: Orphanet 2134, MedGen C2931788, MONDO:0016244.
Age related macular degeneration 4. Identifiers: MedGen C1853147, MONDO:0012540, OMIM 610698.
Basal laminar drusen. Also called: DRUSEN OF BRUCH MEMBRANE; DRUSEN, CUTICULAR; DRUSEN, EARLY ADULT-ONSET, GROUPED. Identifiers: Orphanet 75376, MedGen C0730295, MONDO:0007472, OMIM 126700.
Factor H deficiency (CFHD). Also called: COMPLEMENT FACTOR H DEFICIENCY; CFH DEFICIENCY. Identifiers: Orphanet 200421, MedGen C0398777, MONDO:0012350, OMIM 609814.

Submission:

Genomenon, Inc
Classification: Likely pathogenic for Age related macular degeneration 4; Atypical hemolytic-uremic syndrome; Factor H deficiency; Basal laminar drusen. Last evaluated: 2026-09-17. Review status: criteria provided, single submitter. Criteria: Genomenon Sequence Variant Interpretation Standards - Updated. Collection method: curation. Allele origin: germline. Affected: no.
Comment: CFH p.Cys597Ter (c.1791C>A) is a nonsense variant that introduces a premature stop codon at amino acid position 597 and is predicted to result in a truncated or absent protein product. This variant has been reported in the published literature (PMID: 30565236; 28339660; 28941939). It is absent or not present at a significant frequency in gnomAD. In conclusion, we classify CFH p.Cys597Ter (c.1791C>A) as a likely pathogenic variant.

Literature cited by the submitters: PubMed 30565236; PubMed 28339660; PubMed 28941939.

NM_000186.4(CFH):c.1791C>A (p.Cys597Ter)

Gene: CFH (complement factor H; plus strand). Cytogenetic location: 1q31.3.
Variant type: single nucleotide variant.
Coding change: c.1791C>A on transcript NM_000186.4 (MANE Select); coding-DNA position 1791, C replaced by A.
Protein change: p.Cys597Ter; replaces cysteine 597 with a stop codon.
Molecular consequence: nonsense.
Genome position (GRCh38, 1-based): chr1:196,725,215, C>A. VCF-style: chr1-196725215-C-A. GRCh37 (hg19) VCF-style: chr1-196694345-C-A.
Other names: short protein forms C597*.
Identifiers: ClinVar variation 4291423 (VCV004291423.2).